The following is an entry in ClinVar:

ClinVar aggregate classification (germline): Uncertain significance. Review status: criteria provided, multiple submitters, no conflicts (2 of 4 stars). 2 submissions from 2 submitters: Uncertain significance (2). Last evaluated 2023-12-14.

Conditions:
Hereditary cancer-predisposing syndrome. Also called: Neoplastic Syndromes, Hereditary; Tumor predisposition; Hereditary neoplastic syndrome; Hereditary Cancer Syndrome. Identifiers: Orphanet 140162, MedGen C0027672, MeSH D009386, MONDO:0015356.
Mitochondrial complex II deficiency, nuclear type 1. Also called: SUCCINATE CoQ REDUCTASE DEFICIENCY. Identifiers: Orphanet 3208, MedGen C5700310, MONDO:0100294, OMIM 252011.
Pheochromocytoma/paraganglioma syndrome 5. Also called: Paragangliomas 5; SDHA-Related Hereditary Paraganglioma-Pheochromocytoma Syndrome. Identifiers: Orphanet 29072, MedGen C3279992, MONDO:0013602, OMIM 614165.

Submissions (2):

Ambry Genetics
Classification: Uncertain significance for Hereditary cancer-predisposing syndrome. Last evaluated: 2023-12-14. Review status: criteria provided, single submitter. Criteria: Ambry Variant Classification Scheme 2023. Collection method: clinical testing. Allele origin: germline.
Comment: The p.K335T variant (also known as c.1004A>C), located in coding exon 8 of the SDHA gene, results from an A to C substitution at nucleotide position 1004. The lysine at codon 335 is replaced by threonine, an amino acid with similar properties. This amino acid position is conserved. In addition, this alteration is predicted to be deleterious by in silico analysis. Since supporting evidence is limited at this time, the clinical significance of this alteration remains unclear.

Labcorp Genetics (formerly Invitae), Labcorp
Classification: Uncertain significance for Pheochromocytoma/paraganglioma syndrome 5; Mitochondrial complex II deficiency, nuclear type 1. Last evaluated: 2022-11-22. Review status: criteria provided, single submitter. Criteria: Invitae Variant Classification Sherloc (09022015). Collection method: clinical testing. Allele origin: germline.
Comment: This variant has not been reported in the literature in individuals affected with SDHA-related conditions. In summary, the available evidence is currently insufficient to determine the role of this variant in disease. Therefore, it has been classified as a Variant of Uncertain Significance. Algorithms developed to predict the effect of missense changes on protein structure and function (SIFT, PolyPhen-2, Align-GVGD) all suggest that this variant is likely to be disruptive. ClinVar contains an entry for this variant (Variation ID: 574703). This variant is not present in population databases (gnomAD no frequency). This sequence change replaces lysine, which is basic and polar, with threonine, which is neutral and polar, at codon 335 of the SDHA protein (p.Lys335Thr).

NM_004168.4(SDHA):c.1004A>C (p.Lys335Thr)

Gene: SDHA (succinate dehydrogenase complex flavoprotein subunit A; plus strand). Cytogenetic location: 5p15.33.
Variant type: single nucleotide variant.
Coding change: c.1004A>C on transcript NM_004168.4 (MANE Select); coding-DNA position 1004, A replaced by C.
Protein change: p.Lys335Thr; replaces lysine 335 with threonine.
Molecular consequence: missense variant.
Genome position (GRCh38, 1-based): chr5:233,585, A>C. VCF-style: chr5-233585-A-C. GRCh37 (hg19) VCF-style: chr5-233700-A-C.
Other names: c.1004A>C (NM_004168.2); c.860A>C, p.Lys287Thr (NM_001294332.2); c.1004A>C, p.Lys335Thr (NM_001330758.2); short protein forms K335T, K287T.
Identifiers: ClinVar variation 574703 (VCV000574703.10), dbSNP rs1560994846, ClinGen allele CA359012828.